The following is an entry in ClinVar:

NM_004990.4(MARS1):c.311T>A (p.Val104Glu)

Gene: MARS1 (methionyl-tRNA synthetase 1; plus strand). Cytogenetic location: 12q13.3.
Variant type: single nucleotide variant.
Coding change: c.311T>A on transcript NM_004990.4 (MANE Select); coding-DNA position 311, T replaced by A.
Protein change: p.Val104Glu; replaces valine 104 with glutamic acid.
Molecular consequence: missense variant.
Genome position (GRCh38, 1-based): chr12:57,489,455, T>A. VCF-style: chr12-57489455-T-A. GRCh37 (hg19) VCF-style: chr12-57883238-T-A.
Other names: short protein forms V104E.
Identifiers: ClinVar variation 2934116 (VCV002934116.3), dbSNP rs1275132808, ClinGen allele CA385491100.

ClinVar aggregate classification (germline): Uncertain significance (1 of 4 stars; one submission).

Conditions:
Severe early-onset pulmonary alveolar proteinosis due to MARS deficiency. Also called: PULMONARY ALVEOLAR PROTEINOSIS, REUNION ISLAND; Interstitial lung and liver disease. Identifiers: Orphanet 440427, MedGen C4225400, MONDO:0014206, OMIM 615486.
Charcot-Marie-Tooth disease axonal type 2U. Also called: CHARCOT-MARIE-TOOTH NEUROPATHY, TYPE 2U; CHARCOT-MARIE-TOOTH DISEASE, AXONAL, AUTOSOMAL DOMINANT, TYPE 2U. Identifiers: Orphanet 397735, MedGen C4084821, MONDO:0014566, OMIM 616280.

Allele frequency attached by ClinVar (database versions not stated): TOPMed below 0.00001; gnomAD 0.00001; gnomAD exomes 0.00001.
gnomAD v4.1: 14 of 1,614,030 alleles (0.00087%); highest among the groups gnomAD compares: Non-Finnish European, 0.0011%; no homozygotes.

Submission:

Labcorp Genetics (formerly Invitae), Labcorp
Classification: Uncertain significance for Charcot-Marie-Tooth disease axonal type 2U; Severe early-onset pulmonary alveolar proteinosis due to MARS deficiency. Last evaluated: 2023-06-06. Review status: criteria provided, single submitter. Criteria: Invitae Variant Classification Sherloc (09022015). Collection method: clinical testing. Allele origin: germline.
Comment: In summary, the available evidence is currently insufficient to determine the role of this variant in disease. Therefore, it has been classified as a Variant of Uncertain Significance. An algorithm developed to predict the effect of missense changes on protein structure and function (PolyPhen-2) suggests that this variant is likely to be tolerated. This variant has not been reported in the literature in individuals affected with MARS-related conditions. This variant is present in population databases (no rsID available, gnomAD 0.007%). This sequence change replaces valine, which is neutral and non-polar, with glutamic acid, which is acidic and polar, at codon 104 of the MARS protein (p.Val104Glu).